The following is an entry in ClinVar:

ClinVar aggregate classification (germline): Uncertain significance. Review status: criteria provided, multiple submitters, no conflicts (2 of 4 stars). 2 submissions from 2 submitters: Uncertain significance (2). Last evaluated 2025-07-20.

Conditions:
Kabuki syndrome 1 (KABUK1). Also called: KMT2D-Related Kabuki Syndrome. Identifiers: Orphanet 2322, MedGen CN030661, MONDO:0007843, OMIM 147920.
Choanal atresia-athelia-hypothyroidism-delayed puberty-short stature syndrome (BCAHH). Also called: BRANCHIAL ARCH ABNORMALITIES, CHOANAL ATRESIA, ATHELIA, HEARING LOSS, AND HYPOTHYROIDISM SYNDROME. Identifiers: Orphanet 589856, MedGen C5680310, MONDO:0035651, OMIM 620186.
Kabuki syndrome. Also called: Kabuki make-up syndrome; NIIKAWA-KUROKI SYNDROME. Identifiers: Orphanet 2322, MedGen C0796004, MONDO:0016512.

Allele frequency attached by ClinVar (database versions not stated): gnomAD 0.00001; TOPMed 0.00001.
gnomAD v4.1: 32 of 1,592,734 alleles (0.002%); highest among the groups gnomAD compares: Non-Finnish European, 0.0024%; no homozygotes.

Submissions (2):

Labcorp Genetics (formerly Invitae), Labcorp
Classification: Uncertain significance for Kabuki syndrome. Last evaluated: 2025-07-20. Review status: criteria provided, single submitter. Criteria: Invitae Variant Classification Sherloc (09022015). Collection method: clinical testing. Allele origin: germline.
Comment: This sequence change replaces proline, which is neutral and non-polar, with serine, which is neutral and polar, at codon 3198 of the KMT2D protein (p.Pro3198Ser). The frequency data for this variant in the population databases is considered unreliable, as metrics indicate poor data quality at this position in the gnomAD database. This variant has not been reported in the literature in individuals affected with KMT2D-related conditions. ClinVar contains an entry for this variant (Variation ID: 2743224). Invitae Evidence Modeling of protein sequence and biophysical properties (such as structural, functional, and spatial information, amino acid conservation, physicochemical variation, residue mobility, and thermodynamic stability) indicates that this missense variant is not expected to disrupt KMT2D protein function with a negative predictive value of 95%. In summary, the available evidence is currently insufficient to determine the role of this variant in disease. Therefore, it has been classified as a Variant of Uncertain Significance.

Fulgent Genetics
Classification: Uncertain significance for Kabuki syndrome 1; Choanal atresia-athelia-hypothyroidism-delayed puberty-short stature syndrome. Last evaluated: 2024-06-01. Review status: criteria provided, single submitter. Criteria: ACMG Guidelines, 2015. Collection method: clinical testing. Allele origin: germline.

NM_003482.4(KMT2D):c.9592C>T (p.Pro3198Ser)

Gene: KMT2D (lysine methyltransferase 2D; minus strand). Cytogenetic location: 12q13.12.
Variant type: single nucleotide variant.
Coding change: c.9592C>T on transcript NM_003482.4 (MANE Select); coding-DNA position 9592, C replaced by T.
Protein change: p.Pro3198Ser; replaces proline 3198 with serine.
Molecular consequence: missense variant.
Genome position (GRCh38, 1-based): chr12:49,037,764, G>A on the plus strand (C>T on the coding strand, the complement: KMT2D is on the minus strand). VCF-style: chr12-49037764-G-A. GRCh37 (hg19) VCF-style: chr12-49431547-G-A.
Other names: short protein forms P3198S.
Identifiers: ClinVar variation 2743224 (VCV002743224.4), dbSNP rs1311527251, ClinGen allele CA384737142.
Genomic context (GRCh38, chr12:49,037,764, plus strand): 5'-CACTCTCGAGCTCAAACTTTTCCAGCAGGGAGGATCCTCCTGGGCCACTCAGTGGGCTGG[G>A]GGTCAGCAGGTGAGCTGGTGGTCCTCCCGTGGCCCCAAAGGAGGCCTTCTCAGCTGTGTG-3'
Protein context (NP_003473.3, residues 3188-3208): TGGPPAHLLT[Pro3198Ser]SPLSGPGGSS